The following is an entry in ClinVar:

NM_001039591.3(USP9X):c.1626+5G>A

Gene: USP9X (ubiquitin specific peptidase 9 X-linked; plus strand). Cytogenetic location: Xp11.4.
Variant type: single nucleotide variant.
Coding change: c.1626+5G>A on transcript NM_001039591.3 (MANE Select); 5 bases into the intron after coding-DNA position 1626, G replaced by A.
Molecular consequence: intron variant.
Genome position (GRCh38, 1-based): chrX:41,148,580, G>A. VCF-style: chrX-41148580-G-A. GRCh37 (hg19) VCF-style: chrX-41007833-G-A.
Other names: c.1626+5G>A (NM_001410748.1, NM_001410749.1, NM_001039590.3).
Identifiers: ClinVar variation 2988490 (VCV002988490.3), dbSNP rs200022862, ClinGen allele CA10388452.

ClinVar aggregate classification (germline): Uncertain significance (1 of 4 stars; one submission).

Allele frequency attached by ClinVar (database versions not stated): TOPMed 0.00001; 1000 Genomes Project 30x 0.00042; 1000 Genomes Project 0.00026; gnomAD 0.00001; ExAC 0.00002.
gnomAD v4.1: 6 of 1,206,753 alleles (0.0005%); highest among the groups gnomAD compares: East Asian, 0.012%; no homozygotes.

Submission:

Labcorp Genetics (formerly Invitae), Labcorp
Classification: Uncertain significance. Last evaluated: 2025-03-19. Review status: criteria provided, single submitter. Criteria: Invitae Variant Classification Sherloc (09022015). Collection method: clinical testing. Allele origin: germline.
Comment: This sequence change falls in intron 12 of the USP9X gene. It does not directly change the encoded amino acid sequence of the USP9X protein. It affects a nucleotide within the consensus splice site. This variant is present in population databases (rs200022862, gnomAD 0.02%), including at least one homozygous and/or hemizygous individual. This variant has not been reported in the literature in individuals affected with USP9X-related conditions. ClinVar contains an entry for this variant (Variation ID: 2988490). Variants that disrupt the consensus splice site are a relatively common cause of aberrant splicing (PMID: 17576681, 9536098). Algorithms developed to predict the effect of sequence changes on RNA splicing suggest that this variant is not likely to affect RNA splicing. In summary, the available evidence is currently insufficient to determine the role of this variant in disease. Therefore, it has been classified as a Variant of Uncertain Significance.

Literature cited by the submitters: PubMed 17576681; PubMed 9536098.